The following is an entry in ClinVar:

ClinVar aggregate classification (germline): Likely benign. Review status: criteria provided, multiple submitters, no conflicts (2 of 4 stars). 4 submissions from 4 submitters: Likely benign (4). Last evaluated 2026-09-01.

Conditions:
ATP1A3-related disorder. Also called: ATP1A3-related condition; ATP1A3-related disorders. Identifiers: MedGen CN381097.
Dystonia 12 (DYT12). Also called: DYT-ATP1A3; Rapid-Onset Dystonia-Parkinsonism (RDP). Identifiers: Orphanet 71517, MedGen C1868681, MONDO:0007496, OMIM 128235.

Allele frequency attached by ClinVar (database versions not stated): ExAC 0.00001; gnomAD 0.00001; gnomAD exomes 0.00001 and 0.00002; TOPMed 0.00001.
gnomAD v4.1: 30 of 1,614,224 alleles (0.0019%); highest among the groups gnomAD compares: Middle Eastern, 0.033%; no homozygotes.

Submissions (4):

CeGaT Center for Human Genetics Tuebingen
Classification: Likely benign. Last evaluated: 2026-09-01. Review status: criteria provided, single submitter. Criteria: CeGaT Center For Human Genetics Tuebingen Variant Classification Criteria Version 2. Collection method: clinical testing. Allele origin: germline. Affected: yes. Observed: 1 variant allele.
Comment: ATP1A3: BP4, BP7

PreventionGenetics, part of Exact Sciences
Classification: Likely benign for ATP1A3-related condition. Last evaluated: 2026-08-19. Review status: criteria provided, single submitter. Criteria: ACMG Guidelines, 2015. Collection method: clinical testing. Allele origin: germline.
Comment: This variant is classified as likely benign based on ACMG/AMP sequence variant interpretation guidelines (Richards et al. 2015 PMID: 25741868, with internal and published modifications).

Labcorp Genetics (formerly Invitae), Labcorp
Classification: Likely benign for Dystonia 12. Last evaluated: 2025-12-16. Review status: criteria provided, single submitter. Criteria: Invitae Variant Classification Sherloc (09022015). Collection method: clinical testing. Allele origin: germline.

Blueprint Genetics
Classification: Likely benign. Last evaluated: 2020-10-06. Review status: criteria provided, single submitter. Criteria: ACMG Guidelines, 2015. Collection method: clinical testing. Allele origin: germline.

NM_152296.5(ATP1A3):c.2532C>T (p.Tyr844=)

Gene: ATP1A3 (ATPase Na+/K+ transporting subunit alpha 3; minus strand). Cytogenetic location: 19q13.2.
Variant type: single nucleotide variant.
Coding change: c.2532C>T on transcript NM_152296.5 (MANE Select); coding-DNA position 2532, C replaced by T.
Protein change: p.Tyr844=; no amino-acid change (tyrosine 844 retained).
Molecular consequence: synonymous variant.
Genome position (GRCh38, 1-based): chr19:41,970,195, G>A on the plus strand (C>T on the coding strand, the complement: ATP1A3 is on the minus strand). VCF-style: chr19-41970195-G-A. GRCh37 (hg19) VCF-style: chr19-42474347-G-A.
Other names: c.2565C>T, p.Tyr855= (NM_001256213.2); c.2571C>T, p.Tyr857= (NM_001256214.2); c.2571C>T (NM_001256214.1).
Identifiers: ClinVar variation 1562689 (VCV001562689.11), dbSNP rs782485793, ClinGen allele CA9467367.